The following is an entry in ClinVar:

ClinVar aggregate classification (germline): Uncertain significance. Review status: criteria provided, multiple submitters, no conflicts (2 of 4 stars). 2 submissions from 2 submitters: Uncertain significance (2). Last evaluated 2025-07-20.

Conditions:
Neurofibromatosis, type 1 (NF1). Also called: VON RECKLINGHAUSEN DISEASE; NEUROFIBROMATOSIS, TYPE I, SOMATIC; Peripheral type neurofibromatosis; Neurofibromatosis, type I. Identifiers: Orphanet 636, MedGen C0027831, MONDO:0018975, OMIM 162200. Disease mechanism: loss of function.

Submissions (2):

Labcorp Genetics (formerly Invitae), Labcorp
Classification: Uncertain significance for Neurofibromatosis, type 1. Last evaluated: 2025-07-20. Review status: criteria provided, single submitter. Criteria: Invitae Variant Classification Sherloc (09022015). Collection method: clinical testing. Allele origin: germline.
Comment: This sequence change replaces asparagine, which is neutral and polar, with histidine, which is basic and polar, at codon 2265 of the NF1 protein (p.Asn2265His). This variant is not present in population databases (gnomAD no frequency). This variant has not been reported in the literature in individuals affected with NF1-related conditions. ClinVar contains an entry for this variant (Variation ID: 1703295). Invitae Evidence Modeling of protein sequence and biophysical properties (such as structural, functional, and spatial information, amino acid conservation, physicochemical variation, residue mobility, and thermodynamic stability) indicates that this missense variant is not expected to disrupt NF1 protein function with a negative predictive value of 95%. In summary, the available evidence is currently insufficient to determine the role of this variant in disease. Therefore, it has been classified as a Variant of Uncertain Significance.

GeneDx
Classification: Uncertain significance. Last evaluated: 2022-02-23. Review status: criteria provided, single submitter. Criteria: GeneDx Variant Classification Process June 2021. Collection method: clinical testing. Allele origin: germline. Affected: yes.
Comment: Not observed at significant frequency in large population cohorts (gnomAD); In silico analysis supports that this missense variant has a deleterious effect on protein structure/function; Has not been previously published as pathogenic or benign to our knowledge; This variant is associated with the following publications: (PMID: 25486365)

NM_001042492.3(NF1):c.6856A>C (p.Asn2286His)

Gene: NF1 (neurofibromin 1; plus strand). Cytogenetic location: 17q11.2.
Variant type: single nucleotide variant.
Coding change: c.6856A>C on transcript NM_001042492.3 (MANE Select); coding-DNA position 6856, A replaced by C.
Protein change: p.Asn2286His; replaces asparagine 2286 with histidine.
Molecular consequence: missense variant.
Genome position (GRCh38, 1-based): chr17:31,338,740, A>C. VCF-style: chr17-31338740-A-C. GRCh37 (hg19) VCF-style: chr17-29665758-A-C.
Other names: c.6793A>C, p.Asn2265His (NM_000267.4); short protein forms N2265H, N2286H.
Identifiers: ClinVar variation 1703295 (VCV001703295.4), dbSNP rs2508762685, ClinGen allele CA399014318.